The following is an entry in ClinVar:

NM_001035.3(RYR2):c.5963G>A (p.Cys1988Tyr)

Gene: RYR2 (ryanodine receptor 2; plus strand). Cytogenetic location: 1q43.
Variant type: single nucleotide variant.
Coding change: c.5963G>A on transcript NM_001035.3 (MANE Select); coding-DNA position 5963, G replaced by A.
Protein change: p.Cys1988Tyr; replaces cysteine 1988 with tyrosine.
Molecular consequence: missense variant.
Genome position (GRCh38, 1-based): chr1:237,623,811, G>A. VCF-style: chr1-237623811-G-A. GRCh37 (hg19) VCF-style: chr1-237787111-G-A.
Other names: short protein forms C1988Y.
Identifiers: ClinVar variation 4527529 (VCV004527529.1).
Genomic context (GRCh38, chr1:237,623,811, plus strand): 5'-TTTCAAACTTTCAGATCAATATGCTTCTCAATTTTAAGGATGACAAAAGTGAATGTCCAT[G>A]TCCAGAAGAAATTCGTGACCAACTATTGGATTTCCATGAAGATTTGATGACACATTGTGG-3'
Protein context (NP_001026.2, residues 1978-1998): NFKDDKSECP[Cys1988Tyr]PEEIRDQLLD

ClinVar aggregate classification (germline): Uncertain significance (1 of 4 stars; one submission).

gnomAD v4.1: 1 of 1,613,514 alleles (0.000062%); highest among the groups gnomAD compares: Non-Finnish European, 0.000085%; no homozygotes.

Submission:

GeneDx
Classification: Uncertain significance. Last evaluated: 2025-04-23. Review status: criteria provided, single submitter. Criteria: GeneDx Variant Classification Process June 2021. Collection method: clinical testing. Allele origin: germline. Affected: yes.
Comment: Not observed at significant frequency in large population cohorts (gnomAD); In silico analysis supports that this missense variant has a deleterious effect on protein structure/function; Has not been previously published as pathogenic or benign to our knowledge; This variant is associated with the following publications: (PMID: 19926015)